The following is an entry in ClinVar:

NM_177438.3(DICER1):c.1482G>A (p.Met494Ile)

Gene: DICER1 (dicer 1, ribonuclease III; minus strand). Cytogenetic location: 14q32.13.
Variant type: single nucleotide variant.
Coding change: c.1482G>A on transcript NM_177438.3 (MANE Select); coding-DNA position 1482, G replaced by A.
Protein change: p.Met494Ile; replaces methionine 494 with isoleucine.
Molecular consequence: missense variant.
Genome position (GRCh38, 1-based): chr14:95,117,649, C>T on the plus strand (G>A on the coding strand, the complement: DICER1 is on the minus strand). VCF-style: chr14-95117649-C-T. GRCh37 (hg19) VCF-style: chr14-95583986-C-T.
Other names: c.1482G>A, p.Met494Ile (NM_001195573.1, NM_001271282.3, NM_001291628.2 and 1 more transcripts); short protein forms M494I.
Identifiers: ClinVar variation 483458 (VCV000483458.16), dbSNP rs1224788557, ClinGen allele CA390885474.

ClinVar aggregate classification (germline): Uncertain significance. Review status: criteria provided, multiple submitters, no conflicts (2 of 4 stars). 4 submissions from 4 submitters: Uncertain significance (3). 1 of the submissions does not count toward it. Last evaluated 2024-09-12.

Conditions:
DICER1-related tumor predisposition. Also called: DICER1-related pleuropulmonary blastoma cancer predisposition syndrome; DICER1 syndrome. Identifiers: Orphanet 284343, MedGen C3839822, MONDO:0100216.
Global developmental delay - lung cysts - overgrowth - Wilms tumor syndrome. Also called: GLOBAL DEVELOPMENTAL DELAY, LUNG CYSTS, OVERGROWTH, AND WILMS TUMOR; GLOW Syndrome. Identifiers: Orphanet 404476, MedGen C4748924, MONDO:0018445, OMIM 618272.
Hereditary cancer-predisposing syndrome. Also called: Hereditary neoplastic syndrome; Neoplastic Syndromes, Hereditary; Tumor predisposition; Hereditary Cancer Syndrome. Identifiers: Orphanet 140162, MedGen C0027672, MeSH D009386, MONDO:0015356.

Allele frequency attached by ClinVar (database versions not stated): gnomAD exomes below 0.00001.
gnomAD v4.1: 2 of 1,614,018 alleles (0.00012%); highest among the groups gnomAD compares: South Asian, 0.0011%; no homozygotes.

Submissions (4):

Labcorp Genetics (formerly Invitae), Labcorp
Classification: Uncertain significance for DICER1-related tumor predisposition. Last evaluated: 2024-09-12. Review status: criteria provided, single submitter. Criteria: Invitae Variant Classification Sherloc (09022015). Collection method: clinical testing. Allele origin: germline.
Comment: This sequence change replaces methionine, which is neutral and non-polar, with isoleucine, which is neutral and non-polar, at codon 494 of the DICER1 protein (p.Met494Ile). This variant is present in population databases (no rsID available, gnomAD 0.003%). This variant has not been reported in the literature in individuals affected with DICER1-related conditions. ClinVar contains an entry for this variant (Variation ID: 483458). Invitae Evidence Modeling of protein sequence and biophysical properties (such as structural, functional, and spatial information, amino acid conservation, physicochemical variation, residue mobility, and thermodynamic stability) indicates that this missense variant is not expected to disrupt DICER1 protein function with a negative predictive value of 80%. In summary, the available evidence is currently insufficient to determine the role of this variant in disease. Therefore, it has been classified as a Variant of Uncertain Significance.

Baylor Genetics
Classification: Uncertain significance for Global developmental delay - lung cysts - overgrowth - Wilms tumor syndrome. Last evaluated: 2023-10-03. Review status: criteria provided, single submitter. Criteria: ACMG Guidelines, 2015. Collection method: clinical testing. Allele origin: unknown.

Ambry Genetics
Classification: Uncertain significance for Hereditary cancer-predisposing syndrome. Last evaluated: 2021-05-27. Review status: criteria provided, single submitter. Criteria: Ambry Variant Classification Scheme 2023. Collection method: clinical testing. Allele origin: germline.
Comment: The p.M494I variant (also known as c.1482G>A), located in coding exon 8 of the DICER1 gene, results from a G to A substitution at nucleotide position 1482. The methionine at codon 494 is replaced by isoleucine, an amino acid with highly similar properties. This amino acid position is highly conserved in available vertebrate species. In addition, the in silico prediction for this alteration is inconclusive. Since supporting evidence is limited at this time, the clinical significance of this alteration remains unclear.

Genetic Services Laboratory, University of Chicago
Classification: Uncertain significance. Last evaluated: 2022-07-22. Review status: no assertion criteria provided. Collection method: clinical testing. Allele origin: germline. Affected: no. Not counted in ClinVar's aggregate classification.
Comment: DNA sequence analysis of the DICER1 gene demonstrated a sequence change, c.1482G>A, in exon 9 that results in an amino acid change, p.Met494Ile. This sequence change does not appear to have been previously described in individuals with DICER1-related disorders and has also not been described in population databases such as ExAC and gnomAD (dbSNP rs1224788557). The p.Met494Ile change affects a highly conserved amino acid residue located in a domain of the DICER1 protein that is known to be functional. In-silico pathogenicity prediction tools (SIFT, PolyPhen2, Align GVGD, REVEL) provide contradictory results for the p.Met494Ile substitution. Due to insufficient evidences and the lack of functional studies, the clinical significance of the p.Met494Ile change remains unknown at this time.